The following is an entry in ClinVar:

ClinVar aggregate classification (germline): Uncertain significance (1 of 4 stars; one submission).

Submission:

GeneDx
Classification: Uncertain significance. Last evaluated: 2024-12-30. Review status: criteria provided, single submitter. Criteria: GeneDx Variant Classification Process June 2021. Collection method: clinical testing. Allele origin: germline. Affected: yes.
Comment: Not observed at significant frequency in large population cohorts (gnomAD); In silico analysis indicates that this missense variant does not alter protein structure/function; Has not been previously published as pathogenic or benign to our knowledge

NM_002700.3(POU4F3):c.523G>A (p.Ala175Thr)

Genes: POU4F3 (POU class 4 homeobox 3; plus strand), RBM27-POU4F3 (RBM27-POU4F3 readthrough; plus strand). Cytogenetic location: 5q32.
Variant type: single nucleotide variant.
Coding change: c.523G>A on transcript NM_002700.3 (MANE Select); coding-DNA position 523, G replaced by A.
Protein change: p.Ala175Thr; replaces alanine 175 with threonine.
Molecular consequence: missense variant. On other transcripts: 3 prime UTR variant (1).
Genome position (GRCh38, 1-based): chr5:146,339,950, G>A. VCF-style: chr5-146339950-G-A. GRCh37 (hg19) VCF-style: chr5-145719513-G-A.
Other names: c.*392G>A (NM_001414499.1); short protein forms A175T.
Identifiers: ClinVar variation 3907839 (VCV003907839.1).